The following is an entry in ClinVar:

ClinVar aggregate classification (germline): Uncertain significance (1 of 4 stars; one submission).

Conditions:
Developmental and epileptic encephalopathy, 25 (DEE25). Also called: Epileptic encephalopathy, early infantile, 25; Developmental and epileptic encephalopathy 25, with amelogenesis imperfecta; Epileptic encephalopathy, early infantile, 25, with amelogenesis imperfecta. Identifiers: Orphanet 442835, MedGen C4014621, MONDO:0014392, OMIM 615905.

Allele frequency attached by ClinVar (database versions not stated): gnomAD exomes 0.00001; ExAC 0.00002; gnomAD 0.00002; TOPMed 0.00003.
gnomAD v4.1: 5 of 1,614,034 alleles (0.00031%); highest among the groups gnomAD compares: African/African-American, 0.004%; no homozygotes.

Submission:

Labcorp Genetics (formerly Invitae), Labcorp
Classification: Uncertain significance for Developmental and epileptic encephalopathy, 25. Last evaluated: 2025-06-02. Review status: criteria provided, single submitter. Criteria: Invitae Variant Classification Sherloc (09022015). Collection method: clinical testing. Allele origin: germline.
Comment: This sequence change replaces proline, which is neutral and non-polar, with leucine, which is neutral and non-polar, at codon 558 of the SLC13A5 protein (p.Pro558Leu). This variant is present in population databases (rs769020153, gnomAD 0.02%). This variant has not been reported in the literature in individuals affected with SLC13A5-related conditions. ClinVar contains an entry for this variant (Variation ID: 580380). An algorithm developed to predict the effect of missense changes on protein structure and function (PolyPhen-2) suggests that this variant is likely to be disruptive. In summary, the available evidence is currently insufficient to determine the role of this variant in disease. Therefore, it has been classified as a Variant of Uncertain Significance.

NM_177550.5(SLC13A5):c.1673C>T (p.Pro558Leu)

Gene: SLC13A5 (solute carrier family 13 member 5; minus strand). Cytogenetic location: 17p13.1.
Variant type: single nucleotide variant.
Coding change: c.1673C>T on transcript NM_177550.5 (MANE Select); coding-DNA position 1673, C replaced by T.
Protein change: p.Pro558Leu; replaces proline 558 with leucine.
Molecular consequence: missense variant.
Genome position (GRCh38, 1-based): chr17:6,686,241, G>A on the plus strand (C>T on the coding strand, the complement: SLC13A5 is on the minus strand). VCF-style: chr17-6686241-G-A. GRCh37 (hg19) VCF-style: chr17-6589560-G-A.
Other names: c.1535C>T, p.Pro512Leu (NM_001143838.3); c.1622C>T, p.Pro541Leu (NM_001284509.2); c.1544C>T, p.Pro515Leu (NM_001284510.2); short protein forms P558L, P512L, P515L, P541L.
Identifiers: ClinVar variation 580380 (VCV000580380.8), dbSNP rs769020153, ClinGen allele CA8331299.